The following is an entry in ClinVar:

NM_001963.6(EGF):c.413G>A (p.Gly138Glu)

Gene: EGF (epidermal growth factor; plus strand). Cytogenetic location: 4q25.
Variant type: single nucleotide variant.
Coding change: c.413G>A on transcript NM_001963.6 (MANE Select); coding-DNA position 413, G replaced by A.
Protein change: p.Gly138Glu; replaces glycine 138 with glutamic acid.
Molecular consequence: missense variant.
Genome position (GRCh38, 1-based): chr4:109,943,339, G>A. VCF-style: chr4-109943339-G-A. GRCh37 (hg19) VCF-style: chr4-110864495-G-A.
Other names: c.413G>A, p.Gly138Glu (NM_001178130.3, NM_001178131.3, NM_001357021.2); short protein forms G138E.
Identifiers: ClinVar variation 1384794 (VCV001384794.6), dbSNP rs1215651314, ClinGen allele CA357875025.

ClinVar aggregate classification (germline): Uncertain significance (1 of 4 stars; one submission).

Submission:

Labcorp Genetics (formerly Invitae), Labcorp
Classification: Uncertain significance. Last evaluated: 2025-03-31. Review status: criteria provided, single submitter. Criteria: Invitae Variant Classification Sherloc (09022015). Collection method: clinical testing. Allele origin: germline.
Comment: This sequence change replaces glycine with glutamic acid at codon 138 of the EGF protein (p.Gly138Glu). The glycine residue is highly conserved and there is a moderate physicochemical difference between glycine and glutamic acid. This variant is not present in population databases (gnomAD no frequency). This variant has not been reported in the literature in individuals affected with EGF-related conditions. ClinVar contains an entry for this variant (Variation ID: 1384794). An algorithm developed to predict the effect of missense changes on protein structure and function (PolyPhen-2) suggests that this variant is likely to be disruptive. In summary, the available evidence is currently insufficient to determine the role of this variant in disease. Therefore, it has been classified as a Variant of Uncertain Significance.